The following is an entry in ClinVar:

NM_000718.4(CACNA1B):c.2887C>G (p.Arg963Gly)

Gene: CACNA1B (calcium voltage-gated channel subunit alpha1 B; plus strand). Cytogenetic location: 9q34.3.
Variant type: single nucleotide variant.
Coding change: c.2887C>G on transcript NM_000718.4 (MANE Select); coding-DNA position 2887, C replaced by G.
Protein change: p.Arg963Gly; replaces arginine 963 with glycine.
Molecular consequence: missense variant.
Genome position (GRCh38, 1-based): chr9:138,023,630, C>G. VCF-style: chr9-138023630-C-G. GRCh37 (hg19) VCF-style: chr9-140918082-C-G.
Other names: c.2887C>G, p.Arg963Gly (NM_001243812.2); short protein forms R963G.
Identifiers: ClinVar variation 4984275 (VCV004984275.1).

ClinVar aggregate classification (germline): Uncertain significance (1 of 4 stars; one submission).

Conditions:
CACNA1B-related disorder. Also called: CACNA1B-related condition.

gnomAD v4.1: 7 of 1,287,188 alleles (0.00054%); highest among the groups gnomAD compares: African/African-American, 0.0032%; no homozygotes.

Submission:

PreventionGenetics, part of Exact Sciences
Classification: Uncertain significance for CACNA1B-related condition. Last evaluated: 2025-09-04. Review status: criteria provided, single submitter. Criteria: ACMG Guidelines, 2015. Collection method: clinical testing. Allele origin: germline.
Comment: The CACNA1B c.2887C>G variant is predicted to result in the amino acid substitution p.Arg963Gly. To our knowledge, this variant has not been reported in the literature or in a large population database (gnomAD), indicating this variant is rare. At this time, the clinical significance of this variant is uncertain due to the absence of conclusive functional and genetic evidence.